The following is an entry in ClinVar:

NM_001231.5(CASQ1):c.661A>C (p.Lys221Gln)

Gene: CASQ1 (calsequestrin 1; plus strand). Cytogenetic location: 1q23.2.
Variant type: single nucleotide variant.
Coding change: c.661A>C on transcript NM_001231.5 (MANE Select); coding-DNA position 661, A replaced by C.
Protein change: p.Lys221Gln; replaces lysine 221 with glutamine.
Molecular consequence: missense variant.
Genome position (GRCh38, 1-based): chr1:160,195,906, A>C. VCF-style: chr1-160195906-A-C. GRCh37 (hg19) VCF-style: chr1-160165696-A-C.
Other names: c.661A>C (NM_001231.4); short protein forms K221Q.
Identifiers: ClinVar variation 2983434 (VCV002983434.4), dbSNP rs772849856, ClinGen allele CA1196296.

ClinVar aggregate classification (germline): Uncertain significance. Review status: criteria provided, multiple submitters, no conflicts (2 of 4 stars). 2 submissions from 2 submitters: Uncertain significance (2). Last evaluated 2025-12-06.

Conditions:
Inborn genetic diseases. Identifiers: MedGen C0950123, MeSH D030342.

Allele frequency attached by ClinVar (database versions not stated): gnomAD 0.00001; gnomAD exomes 0.00002; ExAC 0.00003.

Submissions (2):

Ambry Genetics
Classification: Uncertain significance for Inborn genetic diseases. Last evaluated: 2025-12-06. Review status: criteria provided, single submitter. Criteria: Ambry Variant Classification Scheme 2023. Collection method: clinical testing. Allele origin: germline.
Comment: The p.K221Q variant (also known as c.661A>C), located in coding exon 6 of the CASQ1 gene, results from an A to C substitution at nucleotide position 661. The lysine at codon 221 is replaced by glutamine, an amino acid with similar properties. This amino acid position is conserved. In addition, this alteration is predicted to be tolerated by in silico analysis. Based on the available evidence, the clinical significance of this variant remains unclear.

Labcorp Genetics (formerly Invitae), Labcorp
Classification: Uncertain significance. Last evaluated: 2023-04-12. Review status: criteria provided, single submitter. Criteria: Invitae Variant Classification Sherloc (09022015). Collection method: clinical testing. Allele origin: germline.
Comment: In summary, the available evidence is currently insufficient to determine the role of this variant in disease. Therefore, it has been classified as a Variant of Uncertain Significance. Advanced modeling of protein sequence and biophysical properties (such as structural, functional, and spatial information, amino acid conservation, physicochemical variation, residue mobility, and thermodynamic stability) performed at Invitae indicates that this missense variant is not expected to disrupt CASQ1 protein function. This variant has not been reported in the literature in individuals affected with CASQ1-related conditions. This variant is present in population databases (rs772849856, gnomAD 0.02%). This sequence change replaces lysine, which is basic and polar, with glutamine, which is neutral and polar, at codon 221 of the CASQ1 protein (p.Lys221Gln).